The following is an entry in ClinVar:

NM_000138.5(FBN1):c.481G>A (p.Val161Met)

Gene: FBN1 (fibrillin 1; minus strand). Cytogenetic location: 15q21.1.
Variant type: single nucleotide variant.
Coding change: c.481G>A on transcript NM_000138.5 (MANE Select); coding-DNA position 481, G replaced by A.
Protein change: p.Val161Met; replaces valine 161 with methionine.
Molecular consequence: missense variant.
Genome position (GRCh38, 1-based): chr15:48,596,340, C>T on the plus strand (G>A on the coding strand, the complement: FBN1 is on the minus strand). VCF-style: chr15-48596340-C-T. GRCh37 (hg19) VCF-style: chr15-48888537-C-T.
Other names: c.481G>A, p.Val161Met (NM_001406716.1, NM_001406717.1); short protein forms V161M.
Identifiers: ClinVar variation 3386866 (VCV003386866.1).

ClinVar aggregate classification (germline): Uncertain significance (1 of 4 stars; one submission).

Conditions:
Marfan syndrome (MFS). Also called: MARFAN SYNDROME, TYPE I; Marfan syndrome type 1; Marfan's syndrome; FBN1-Related Marfan Syndrome; Marfan syndrome, classic. Identifiers: Orphanet 284963, Orphanet 558, MedGen C0024796, MONDO:0007947, OMIM 154700.

Submission:

All of Us Research Program, National Institutes of Health
Classification: Uncertain significance for Marfan syndrome. Last evaluated: 2024-05-14. Review status: criteria provided, single submitter. Criteria: ACMG Guidelines, 2015. Collection method: clinical testing. Allele origin: germline. Inheritance: Autosomal dominant inheritance. Observed: 1 variant allele, 1 heterozygote.
Comment: This missense variant replaces valine with methionine at codon 161 of the FBN1 protein. Computational prediction suggests that this variant may not impact protein structure and function (internally defined REVEL score threshold <= 0.5, PMID: 27666373). To our knowledge, functional studies have not been reported for this variant. This variant has not been reported in individuals affected with FBN1-related disorders in the literature. This variant has not been identified in the general population by the Genome Aggregation Database (gnomAD). The available evidence is insufficient to determine the role of this variant in disease conclusively. Therefore, this variant is classified as a Variant of Uncertain Significance.

This study involves interpretation of variants in research participants for the purpose of population health screening. Participant phenotype was not available at the time of variant classification. Additional details can be found in publication PMID: 35346344, PMCID: PMC8962531